The following is an entry in ClinVar:

NM_014806.5(RUSC2):c.2243G>A (p.Gly748Glu)

Gene: RUSC2 (RUN and SH3 domain containing 2; plus strand). Cytogenetic location: 9p13.3.
Variant type: single nucleotide variant.
Coding change: c.2243G>A on transcript NM_014806.5 (MANE Select); coding-DNA position 2243, G replaced by A.
Protein change: p.Gly748Glu; replaces glycine 748 with glutamic acid.
Molecular consequence: missense variant. On other transcripts: 5 prime UTR variant (1), non-coding transcript variant (1).
Genome position (GRCh38, 1-based): chr9:35,555,288, G>A. VCF-style: chr9-35555288-G-A. GRCh37 (hg19) VCF-style: chr9-35555285-G-A.
Other names: c.2243G>A, p.Gly748Glu (NM_001135999.2); c.-392G>A (NM_001330740.2); c.2243G>A (NM_001135999.1); short protein forms G748E.
Identifiers: ClinVar variation 1947547 (VCV001947547.3), dbSNP rs1459383683, ClinGen allele CA373340479.

ClinVar aggregate classification (germline): Uncertain significance. Review status: criteria provided, multiple submitters, no conflicts (2 of 4 stars). 2 submissions from 2 submitters: Uncertain significance (2). Last evaluated 2025-06-22.

Allele frequency attached by ClinVar (database versions not stated): gnomAD exomes below 0.00001; TOPMed below 0.00001.
gnomAD v4.1: 4 of 1,613,724 alleles (0.00025%); highest among the groups gnomAD compares: Admixed American, 0.005%; no homozygotes.

Submissions (2):

Ambry Genetics
Classification: Uncertain significance. Last evaluated: 2025-06-22. Review status: criteria provided, single submitter. Criteria: Ambry Variant Classification Scheme 2023. Collection method: clinical testing. Allele origin: germline.

Labcorp Genetics (formerly Invitae), Labcorp
Classification: Uncertain significance. Last evaluated: 2022-05-22. Review status: criteria provided, single submitter. Criteria: Invitae Variant Classification Sherloc (09022015). Collection method: clinical testing. Allele origin: germline.
Comment: This sequence change replaces glycine, which is neutral and non-polar, with glutamic acid, which is acidic and polar, at codon 748 of the RUSC2 protein (p.Gly748Glu). This variant is present in population databases (no rsID available, gnomAD 0.009%). This variant has not been reported in the literature in individuals affected with RUSC2-related conditions. Algorithms developed to predict the effect of missense changes on protein structure and function output the following: SIFT: "Tolerated"; PolyPhen-2: "Benign"; Align-GVGD: "Class C0". The glutamic acid amino acid residue is found in multiple mammalian species, which suggests that this missense change does not adversely affect protein function. In summary, the available evidence is currently insufficient to determine the role of this variant in disease. Therefore, it has been classified as a Variant of Uncertain Significance.